The following is an entry in ClinVar:

ClinVar aggregate classification (germline): Conflicting classifications of pathogenicity. Review status: criteria provided, conflicting classifications (1 of 4 stars). 8 submissions from 6 submitters: Uncertain significance (1); Benign (3); Likely benign (3). 1 of the submissions does not count toward it. Last evaluated 2025-08-09.

Conditions:
Crigler-Najjar syndrome. Identifiers: Orphanet 205, MedGen C5551003, MONDO:0009044.
Hyperbilirubinemia. Identifiers: MedGen C0311468, MONDO:0024288, HP:0002904.
Lucey-Driscoll syndrome (HBLRTFN). Also called: Transient familial neonatal hyperbilirubinemia. Identifiers: Orphanet 2312, MedGen C0270210, MONDO:0009383, OMIM 237900.
Gilbert syndrome. Also called: Gilbert Disease; HYPERBILIRUBINEMIA, GILBERT TYPE; HYPERBILIRUBINEMIA I; HYPERBILIRUBINEMIA, ARIAS TYPE; Gilbert's syndrome. Identifiers: MedGen C0017551, MONDO:0007745, OMIM 143500.

Allele frequency attached by ClinVar (database versions not stated): gnomAD 0.00099 and 0.00148; gnomAD exomes 0.00120 and 0.00315; TOPMed 0.00213; ExAC 0.00314; 1000 Genomes Project 30x 0.00562; 1000 Genomes Project 0.00619.
gnomAD v4.1: 1,996 of 1,614,008 alleles (0.12%); highest among the groups gnomAD compares: East Asian, 4%; 35 homozygotes.

Submissions (8):

Labcorp Genetics (formerly Invitae), Labcorp
Classification: Benign. Last evaluated: 2025-08-09. Review status: criteria provided, single submitter. Criteria: Invitae Variant Classification Sherloc (09022015). Collection method: clinical testing. Allele origin: germline.

ARUP Laboratories, Molecular Genetics and Genomics, ARUP Laboratories
Classification: Benign. Last evaluated: 2025-06-02. Review status: criteria provided, single submitter. Criteria: ARUP Molecular Germline Variant Investigation Process 2024. Collection method: clinical testing. Allele origin: germline.

Mayo Clinic Laboratories, Mayo Clinic
Classification: Benign. Last evaluated: 2025-02-11. Review status: criteria provided, single submitter. Criteria: ACMG Guidelines, 2015. Collection method: clinical testing. Allele origin: germline. Observed: 4 variant alleles.
Comment: BA1, BP4, BP7

Illumina Laboratory Services, Illumina
Classification: Likely benign for Lucey-Driscoll syndrome. Last evaluated: 2017-04-27. Review status: criteria provided, single submitter. Criteria: ICSL Variant Classification Criteria 13 December 2019. Collection method: clinical testing. Allele origin: germline.
Comment: This variant was observed as part of a predisposition screen in an ostensibly healthy population. A literature search was performed for the gene, cDNA change, and amino acid change (where applicable). Publications were found based on this search. The evidence from the literature, in combination with allele frequency data from public databases where available, was sufficient to determine this variant is unlikely to cause disease. Therefore, this variant is classified as likely benign.

Illumina Laboratory Services, Illumina
Classification: Likely benign for Gilbert syndrome. Last evaluated: 2017-04-27. Review status: criteria provided, single submitter. Criteria: ICSL Variant Classification Criteria 13 December 2019. Collection method: clinical testing. Allele origin: germline.
Comment: the same text as in the submission from Illumina Laboratory Services, Illumina above.

Illumina Laboratory Services, Illumina
Classification: Likely benign for Crigler-Najjar syndrome. Last evaluated: 2017-04-27. Review status: criteria provided, single submitter. Criteria: ICSL Variant Classification Criteria 13 December 2019. Collection method: clinical testing. Allele origin: germline.
Comment: the same text as in the submission from Illumina Laboratory Services, Illumina above.

Genetic Services Laboratory, University of Chicago
Classification: Uncertain significance for Hyperbilirubinemia. Last evaluated: 2013-03-04. Review status: criteria provided, single submitter. Criteria: ACMG Guidelines, 2007. Collection method: clinical testing. Allele origin: germline. Inheritance: Autosomal recessive inheritance.

Difficult and Complicated Liver Diseases and Artificial Liver Center, Beijing You An Hospital, Capital Medical University
Classification: Benign for Gilbert syndrome. Last evaluated: 2019-05-01. Review status: no assertion criteria provided. Collection method: case-control. Allele origin: inherited. Affected: yes. Observed: 29 variant alleles. Not counted in ClinVar's aggregate classification.

Literature cited by the submitters: PubMed 22514612 (cited by Illumina Laboratory Services, Illumina).

NM_000463.3(UGT1A1):c.996+15T>C

Genes: UGT1A5 (UDP glucuronosyltransferase family 1 member A5; plus strand), UGT1A (UDP glucuronosyltransferase family 1 member A complex locus; plus strand), UGT1A7 (UDP glucuronosyltransferase family 1 member A7; plus strand), UGT1A8 (UDP glucuronosyltransferase family 1 member A8; plus strand), UGT1A6 (UDP glucuronosyltransferase family 1 member A6; plus strand) and 5 more. Cytogenetic location: 2q37.1.
Variant type: single nucleotide variant.
Coding change: c.996+15T>C on transcript NM_000463.3 (MANE Select); 15 bases into the intron after coding-DNA position 996, T replaced by C.
Molecular consequence: intron variant.
Genome position (GRCh38, 1-based): chr2:233,767,180, T>C. VCF-style: chr2-233767180-T-C. GRCh37 (hg19) VCF-style: chr2-234675826-T-C.
Other names: p.?; c.987+15T>C (NM_019076.5, NM_019075.4, NM_021027.3 and 1 more transcripts); c.192+15T>C (NM_205862.3); c.993+15T>C (NM_001072.4); c.999+15T>C (NM_019078.2, NM_007120.3, NM_019093.4).
Identifiers: ClinVar variation 160241 (VCV000160241.25), dbSNP rs4148327, ClinGen allele CA173888.
Genomic context (GRCh38, chr2:233,767,180, plus strand): 5'-GAAAGCTATGGCAATTGCTGATGCTTTGGGCAAAATCCCTCAGACAGTAAGAAGATTCTA[T>C]ACCATGGCCTCATATCTATTTTCACAGGAGCGCTAATCCCAGACTTCCAGCTTCCAGATT-3'